The following is an entry in ClinVar:

NM_000463.3(UGT1A1):c.1583A>G (p.His528Arg)

Genes: UGT1A (UDP glucuronosyltransferase family 1 member A complex locus; plus strand), UGT1A1 (UDP glucuronosyltransferase family 1 member A1; plus strand), UGT1A10 (UDP glucuronosyltransferase family 1 member A10; plus strand), UGT1A3 (UDP glucuronosyltransferase family 1 member A3; plus strand), UGT1A4 (UDP glucuronosyltransferase family 1 member A4; plus strand) and 5 more. Cytogenetic location: 2q37.1.
Variant type: single nucleotide variant.
Coding change: c.1583A>G on transcript NM_000463.3 (MANE Select); coding-DNA position 1583, A replaced by G.
Protein change: p.His528Arg; replaces histidine 528 with arginine.
Molecular consequence: missense variant.
Genome position (GRCh38, 1-based): chr2:233,772,540, A>G. VCF-style: chr2-233772540-A-G. GRCh37 (hg19) VCF-style: chr2-234681186-A-G.
Other names: c.1574A>G, p.His525Arg (NM_019075.4, NM_019076.5, NM_019077.3 and 1 more transcripts); c.1580A>G, p.His527Arg (NM_001072.4); c.779A>G, p.His260Arg (NM_205862.3); c.1586A>G, p.His529Arg (NM_019078.2, NM_007120.3, NM_019093.4); short protein forms H260R, H525R, H527R, H528R, H529R.
Identifiers: ClinVar variation 4685849 (VCV004685849.1).

ClinVar aggregate classification (germline): Uncertain significance (1 of 4 stars; one submission).

Submission:

ARUP Laboratories, Molecular Genetics and Genomics, ARUP Laboratories
Classification: Uncertain significance. Last evaluated: 2025-05-28. Review status: criteria provided, single submitter. Criteria: ARUP Molecular Germline Variant Investigation Process 2024. Collection method: clinical testing. Allele origin: germline.
Comment: The UGT1A1 c.1583A>G; p.His528Arg variant, to our knowledge, is not reported in the medical literature or gene specific databases. This variant is also absent from the Genome Aggregation Database (v2.1.1), indicating it is not a common polymorphism. Computational analyses predict that this variant is neutral (REVEL: 0.063). However, given the lack of clinical and functional data, the significance of this variant is uncertain at this time.